The following is an entry in ClinVar:

ClinVar aggregate classification (germline): Likely benign. Review status: criteria provided, multiple submitters, no conflicts (2 of 4 stars). 2 submissions from 2 submitters: Likely benign (2). Last evaluated 2025-01-27.

Conditions:
Duchenne muscular dystrophy (DMD). Also called: MUSCULAR DYSTROPHY, PSEUDOHYPERTROPHIC PROGRESSIVE, DUCHENNE TYPE; Duchenne Muscular Dystrophy (DMD). Identifiers: Orphanet 98896, MedGen C0013264, MONDO:0010679, OMIM 310200.

Submissions (2):

Labcorp Genetics (formerly Invitae), Labcorp
Classification: Likely benign for Duchenne muscular dystrophy. Last evaluated: 2025-01-27. Review status: criteria provided, single submitter. Criteria: Invitae Variant Classification Sherloc (09022015). Collection method: clinical testing. Allele origin: germline.

GeneDx
Classification: Likely benign. Last evaluated: 2017-04-05. Review status: criteria provided, single submitter. Criteria: GeneDx Variant Classification (06012015). Collection method: clinical testing. Allele origin: germline. Affected: yes.
Comment: This variant is considered likely benign or benign based on one or more of the following criteria: it is a conservative change, it occurs at a poorly conserved position in the protein, it is predicted to be benign by multiple in silico algorithms, and/or has population frequency not consistent with disease.

NM_004006.3(DMD):c.2381-11T>A

Gene: DMD (dystrophin; minus strand). Cytogenetic location: Xp21.1.
Variant type: single nucleotide variant.
Coding change: c.2381-11T>A on transcript NM_004006.3 (MANE Select); 11 bases into the intron before coding-DNA position 2381, T replaced by A.
Molecular consequence: intron variant.
Genome position (GRCh38, 1-based): chrX:32,491,529, A>T on the plus strand (T>A on the coding strand, the complement: DMD is on the minus strand). VCF-style: chrX-32491529-A-T. GRCh37 (hg19) VCF-style: chrX-32509646-A-T.
Other names: c.2357-11T>A (NM_000109.4); c.2369-11T>A (NM_004009.3); c.2012-11T>A (NM_004010.3).
Identifiers: ClinVar variation 508731 (VCV000508731.9), dbSNP rs1557383843, ClinGen allele CA658799656.